The following is an entry in ClinVar:

ClinVar aggregate classification (germline): Uncertain significance (1 of 4 stars; one submission).

Conditions:
Hereditary cancer-predisposing syndrome. Also called: Tumor predisposition; Neoplastic Syndromes, Hereditary; Hereditary Cancer Syndrome; Hereditary neoplastic syndrome. Identifiers: Orphanet 140162, MedGen C0027672, MeSH D009386, MONDO:0015356.

Submission:

Ambry Genetics
Classification: Uncertain significance for Hereditary cancer-predisposing syndrome. Last evaluated: 2024-11-17. Review status: criteria provided, single submitter. Criteria: Ambry Variant Classification Scheme 2023. Collection method: clinical testing. Allele origin: germline.
Comment: The p.P189L variant (also known as c.566C>T), located in coding exon 6 of the FANCC gene, results from a C to T substitution at nucleotide position 566. The proline at codon 189 is replaced by leucine, an amino acid with similar properties. This amino acid position is conserved. In addition, this alteration is predicted to be deleterious by in silico analysis. Based on the available evidence, the clinical significance of this variant remains unclear.

NM_000136.3(FANCC):c.566C>T (p.Pro189Leu)

Genes: AOPEP (aminopeptidase O (putative); plus strand), FANCC (FA complementation group C; minus strand). Cytogenetic location: 9q22.32.
Variant type: single nucleotide variant.
Coding change: c.566C>T on transcript NM_000136.3 (MANE Select); coding-DNA position 566, C replaced by T.
Protein change: p.Pro189Leu; replaces proline 189 with leucine.
Molecular consequence: missense variant.
Genome position (GRCh38, 1-based): chr9:95,150,043, G>A on the plus strand (C>T on the coding strand, the complement: FANCC is on the minus strand). VCF-style: chr9-95150043-G-A. GRCh37 (hg19) VCF-style: chr9-97912325-G-A.
Other names: c.566C>T, p.Pro189Leu (NM_001243743.2, NM_001243744.2); short protein forms P189L.
Identifiers: ClinVar variation 3512753 (VCV003512753.1).